The following is an entry in ClinVar:

ClinVar aggregate classification (germline): Uncertain significance. Review status: criteria provided, multiple submitters, no conflicts (2 of 4 stars). 4 submissions from 4 submitters: Uncertain significance (3). 1 of the submissions does not count toward it. Last evaluated 2023-05-19.

Conditions:
Microcephaly 6, primary, autosomal recessive. Identifiers: Orphanet 2512, MedGen C1842109, MONDO:0012029, OMIM 608393.

Allele frequency attached by ClinVar (database versions not stated): gnomAD exomes 0.00007 and 0.00017; ExAC 0.00021; gnomAD 0.00037 and 0.00039; TOPMed 0.00037; ESP Exome Variant Server 0.00038; 1000 Genomes Project 0.00060; 1000 Genomes Project 30x 0.00062.
gnomAD v4.1: 159 of 1,613,376 alleles (0.0099%); highest among the groups gnomAD compares: Middle Eastern, 0.099%; no homozygotes.

Submissions (4):

GeneDx
Classification: Uncertain significance. Last evaluated: 2023-05-19. Review status: criteria provided, single submitter. Criteria: GeneDx Variant Classification Process June 2021. Collection method: clinical testing. Allele origin: germline. Affected: yes.
Comment: In silico analysis supports that this missense variant has a deleterious effect on protein structure/function; Has not been previously published as pathogenic or benign to our knowledge

Labcorp Genetics (formerly Invitae), Labcorp
Classification: Uncertain significance. Last evaluated: 2022-10-05. Review status: criteria provided, single submitter. Criteria: Invitae Variant Classification Sherloc (09022015). Collection method: clinical testing. Allele origin: germline.
Comment: This sequence change replaces glutamic acid, which is acidic and polar, with glycine, which is neutral and non-polar, at codon 151 of the CENPJ protein (p.Glu151Gly). This variant is present in population databases (rs34177811, gnomAD 0.1%). This variant has not been reported in the literature in individuals affected with CENPJ-related conditions. ClinVar contains an entry for this variant (Variation ID: 21665). Advanced modeling of protein sequence and biophysical properties (such as structural, functional, and spatial information, amino acid conservation, physicochemical variation, residue mobility, and thermodynamic stability) performed at Invitae indicates that this missense variant is expected to disrupt CENPJ protein function. In summary, the available evidence is currently insufficient to determine the role of this variant in disease. Therefore, it has been classified as a Variant of Uncertain Significance.

Genetic Services Laboratory, University of Chicago
Classification: Uncertain significance for Microcephaly 6, primary, autosomal recessive. Last evaluated: 2013-02-08. Review status: criteria provided, single submitter. Criteria: ACMG Guidelines, 2007. Collection method: clinical testing. Allele origin: germline. Inheritance: Autosomal recessive inheritance.

GeneReviews
No classification provided. Condition: Microcephaly 6, primary, autosomal recessive. Review status: no classification provided. Collection method: literature only. Allele origin: unknown. Not counted in ClinVar's aggregate classification.

Literature cited by the submitters: PubMed 20301772 (cited by GeneReviews); NCBI Bookshelf NBK9587 (cited by GeneReviews).

NM_018451.5(CPAP):c.452A>G (p.Glu151Gly)

Gene: CPAP (centrosome assembly and centriole elongation protein; minus strand). Cytogenetic location: 13q12.13.
Variant type: single nucleotide variant.
Coding change: c.452A>G on transcript NM_018451.5 (MANE Select); coding-DNA position 452, A replaced by G.
Protein change: p.Glu151Gly; replaces glutamic acid 151 with glycine.
Molecular consequence: missense variant. On other transcripts: non-coding transcript variant (2).
Genome position (GRCh38, 1-based): chr13:24,912,062, T>C on the plus strand (A>G on the coding strand, the complement: CPAP is on the minus strand). VCF-style: chr13-24912062-T-C. GRCh37 (hg19) VCF-style: chr13-25486200-T-C.
Other names: short protein forms E151G.
Identifiers: ClinVar variation 21665 (VCV000021665.12), dbSNP rs34177811, ClinGen allele CA342348.